The following is an entry in ClinVar:

ClinVar aggregate classification (germline): Uncertain significance (1 of 4 stars; one submission).

Submission:

Labcorp Genetics (formerly Invitae), Labcorp
Classification: Uncertain significance. Last evaluated: 2025-09-02. Review status: criteria provided, single submitter. Criteria: Invitae Variant Classification Sherloc (09022015). Collection method: clinical testing. Allele origin: germline.
Comment: This sequence change replaces alanine, which is neutral and non-polar, with glycine, which is neutral and non-polar, at codon 1119 of the AP3D1 protein (p.Ala1119Gly). This variant is not present in population databases (gnomAD no frequency). This variant has not been reported in the literature in individuals affected with AP3D1-related conditions. ClinVar contains an entry for this variant (Variation ID: 1372673). An algorithm developed to predict the effect of missense changes on protein structure and function (PolyPhen-2) suggests that this variant is likely to be tolerated. In summary, the available evidence is currently insufficient to determine the role of this variant in disease. Therefore, it has been classified as a Variant of Uncertain Significance.

NM_001261826.3(AP3D1):c.3356C>G (p.Ala1119Gly)

Gene: AP3D1 (adaptor related protein complex 3 subunit delta 1; minus strand). Cytogenetic location: 19p13.3.
Variant type: single nucleotide variant.
Coding change: c.3356C>G on transcript NM_001261826.3 (MANE Select); coding-DNA position 3356, C replaced by G.
Protein change: p.Ala1119Gly; replaces alanine 1119 with glycine.
Molecular consequence: missense variant.
Genome position (GRCh38, 1-based): chr19:2,109,202, G>C on the plus strand (C>G on the coding strand, the complement: AP3D1 is on the minus strand). VCF-style: chr19-2109202-G-C. GRCh37 (hg19) VCF-style: chr19-2109201-G-C.
Other names: c.3320C>G, p.Ala1107Gly (NM_001374799.1); c.3170C>G, p.Ala1057Gly (NM_003938.8); short protein forms A1057G, A1119G, A1107G.
Identifiers: ClinVar variation 1372673 (VCV001372673.6), dbSNP rs2145007629, ClinGen allele CA403201054.